The following is an entry in ClinVar:

ClinVar aggregate classification (germline): Uncertain significance. Review status: criteria provided, multiple submitters, no conflicts (2 of 4 stars). 5 submissions from 5 submitters: Uncertain significance (5). Last evaluated 2026-05-24.

Conditions:
PKD1-related disorder. Also called: PKD1-related condition.
Polycystic kidney disease, adult type (PKD1). Also called: Polycystic Kidney, Autosomal Dominant; POLYCYSTIC KIDNEY DISEASE, ADULT, TYPE I; Polycystic Kidney Disease 1, Autosomal Dominant; Polycystic kidney disease 1; Polycystic kidney disease 1, severe; POLYCYSTIC KIDNEY DISEASE 1 WITH OR WITHOUT POLYCYSTIC LIVER DISEASE. Identifiers: MedGen C3149841, MONDO:0008263, OMIM 173900.

Allele frequency attached by ClinVar (database versions not stated): TOPMed 0.00003; 1000 Genomes Project 30x 0.00016; 1000 Genomes Project 0.00040.
gnomAD v4.1: 119 of 1,590,082 alleles (0.0075%); highest among the groups gnomAD compares: Middle Eastern, 0.068%; no homozygotes.

Submissions (5):

PreventionGenetics, part of Exact Sciences
Classification: Uncertain significance for PKD1-related condition. Last evaluated: 2026-05-24. Review status: criteria provided, single submitter. Criteria: ACMG Guidelines, 2015. Collection method: clinical testing. Allele origin: germline.
Comment: The PKD1 c.7409C>T variant is predicted to result in the amino acid substitution p.Pro2470Leu. This variant was reported as a variant of uncertain significance (VUS) in individuals with polycystic kidney disease (PKD) (Table S3 and S6, Hwang et al. 2016. PubMed ID: 26453610; Table S3, Mallawaarachchi et al. 2021. PubMed ID: 33437033). This variant is also reported in 0.039% of alleles in individuals of South Asian descent in gnomAD. The REVEL (rare exome variant ensemble learner) program predicts this variant is pathogenic at a "supporting" level (Ioannidis et al. 2016. PubMed ID: 27666373; Bergquist et al. 2024. PubMed ID: 39345488). At this time, the clinical significance of this variant is uncertain due to the absence of conclusive functional and genetic evidence.

GeneDx
Classification: Uncertain significance. Last evaluated: 2023-06-14. Review status: criteria provided, single submitter. Criteria: GeneDx Variant Classification Process June 2021. Collection method: clinical testing. Allele origin: germline. Affected: yes.
Comment: In silico analysis supports that this missense variant has a deleterious effect on protein structure/function; This variant is associated with the following publications: (PMID: 33437033, 26453610, Priya2022[preprint])

CeGaT Center for Human Genetics Tuebingen
Classification: Uncertain significance. Last evaluated: 2021-09-01. Review status: criteria provided, single submitter. Criteria: CeGaT Center For Human Genetics Tuebingen Variant Classification Criteria Version 2. Collection method: clinical testing. Allele origin: germline. Affected: yes. Observed: 1 variant allele.

Fulgent Genetics
Classification: Uncertain significance for Polycystic kidney disease, adult type. Last evaluated: 2021-08-17. Review status: criteria provided, single submitter. Criteria: ACMG Guidelines, 2015. Collection method: clinical testing. Allele origin: unknown.

Molecular Genetics of Inherited Kidney Disorders Laboratory, Garvan Institute of Medical Research
Classification: Uncertain significance. Last evaluated: 2019-01-01. Review status: criteria provided, single submitter. Criteria: ACMG Guidelines, 2015. Collection method: clinical testing. Allele origin: germline. Affected: yes.

NM_001009944.3(PKD1):c.7409C>T (p.Pro2470Leu)

Gene: PKD1 (polycystin 1, transient receptor potential channel interacting; minus strand). Cytogenetic location: 16p13.3.
Variant type: single nucleotide variant.
Coding change: c.7409C>T on transcript NM_001009944.3 (MANE Select); coding-DNA position 7409, C replaced by T.
Protein change: p.Pro2470Leu; replaces proline 2470 with leucine.
Molecular consequence: missense variant.
Genome position (GRCh38, 1-based): chr16:2,106,478, G>A on the plus strand (C>T on the coding strand, the complement: PKD1 is on the minus strand). VCF-style: chr16-2106478-G-A. GRCh37 (hg19) VCF-style: chr16-2156479-G-A.
Other names: c.7409C>T, p.Pro2470Leu (NM_000296.4); short protein forms P2470L.
Identifiers: ClinVar variation 972856 (VCV000972856.39), dbSNP rs539143745, ClinGen allele CA7831144.